The following is an entry in ClinVar:

ClinVar aggregate classification (germline): Uncertain significance (1 of 4 stars; one submission).

Conditions:
Dilated cardiomyopathy 1W (CMD1W). Identifiers: Orphanet 154, MedGen C1969639, MONDO:0012667, OMIM 611407.

Submission:

Labcorp Genetics (formerly Invitae), Labcorp
Classification: Uncertain significance for Dilated cardiomyopathy 1W. Last evaluated: 2022-09-15. Review status: criteria provided, single submitter. Criteria: Invitae Variant Classification Sherloc (09022015). Collection method: clinical testing. Allele origin: germline.
Comment: This variant results in a copy number gain of the genomic region encompassing exon(s) 1 of the VCL gene. This region includes the initiator codon of the gene. This copy number gain extends beyond the assayed region for this gene and therefore may encompass additional genes. As the precise location of this event is unknown, it may be in tandem or it may be located elsewhere in the genome. This variant has not been reported in the literature in individuals affected with VCL-related conditions. In summary, the available evidence is currently insufficient to determine the role of this variant in disease. Therefore, it has been classified as a Variant of Uncertain Significance.

NC_000010.10:g.(?_75757966)_(75758153_?)dup

Gene: VCL (vinculin; plus strand). Cytogenetic location: 10q22.2.
Variant type: Duplication.
Identifiers: ClinVar variation 2425877 (VCV002425877.3).